The following is an entry in ClinVar:

ClinVar aggregate classification (germline): Uncertain significance (1 of 4 stars; one submission).

Conditions:
Baller-Gerold syndrome (BGS). Also called: CRANIOSYNOSTOSIS WITH RADIAL DEFECTS. Identifiers: Orphanet 1225, MedGen C0265308, MONDO:0009039, OMIM 218600.

Submission:

Labcorp Genetics (formerly Invitae), Labcorp
Classification: Uncertain significance for Baller-Gerold syndrome. Last evaluated: 2021-12-14. Review status: criteria provided, single submitter. Criteria: Invitae Variant Classification Sherloc (09022015). Collection method: clinical testing. Allele origin: germline.
Comment: In summary, the available evidence is currently insufficient to determine the role of this variant in disease. Therefore, it has been classified as a Variant of Uncertain Significance. Experimental studies and prediction algorithms are not available or were not evaluated, and the functional significance of this variant is currently unknown. This variant has not been reported in the literature in individuals affected with RECQL4-related conditions. This variant is not present in population databases (gnomAD no frequency). This sequence change replaces alanine, which is neutral and non-polar, with serine, which is neutral and polar, at codon 587 of the RECQL4 protein (p.Ala587Ser).

NM_004260.4(RECQL4):c.1759G>T (p.Ala587Ser)

Gene: RECQL4 (RecQ like helicase 4; minus strand). Cytogenetic location: 8q24.3.
Variant type: single nucleotide variant.
Coding change: c.1759G>T on transcript NM_004260.4 (MANE Select); coding-DNA position 1759, G replaced by T.
Protein change: p.Ala587Ser; replaces alanine 587 with serine.
Molecular consequence: missense variant.
Genome position (GRCh38, 1-based): chr8:144,514,308, C>A on the plus strand (G>T on the coding strand, the complement: RECQL4 is on the minus strand). VCF-style: chr8-144514308-C-A. GRCh37 (hg19) VCF-style: chr8-145739692-C-A.
Other names: c.1663G>T, p.Ala555Ser (NM_001413017.1, NM_001413020.1); c.1759G>T, p.Ala587Ser (NM_001413018.1, NM_001413019.1, NM_001413036.1); c.688G>T, p.Ala230Ser (NM_001413021.1, NM_001413022.1, NM_001413023.1 and 6 more transcripts); c.1630G>T, p.Ala544Ser (NM_001413025.1); c.622G>T, p.Ala208Ser (NM_001413027.1, NM_001413030.1, NM_001413032.1 and 1 more transcripts); c.1408G>T, p.Ala470Ser (NM_001413029.1); c.1729G>T, p.Ala577Ser (NM_001413039.1); c.658G>T, p.Ala220Ser (NM_001413042.1); and 1 more; short protein forms A208S, A220S, A544S, A577S, A98S, A230S, A470S, A555S.
Identifiers: ClinVar variation 1977740 (VCV001977740.5), dbSNP rs1586810759, ClinGen allele CA372681050.